The following is an entry in ClinVar:

NM_004260.4(RECQL4):c.3205C>A (p.Arg1069Ser)

Gene: RECQL4 (RecQ like helicase 4; minus strand). Cytogenetic location: 8q24.3.
Variant type: single nucleotide variant.
Coding change: c.3205C>A on transcript NM_004260.4 (MANE Select); coding-DNA position 3205, C replaced by A.
Protein change: p.Arg1069Ser; replaces arginine 1069 with serine.
Molecular consequence: missense variant.
Genome position (GRCh38, 1-based): chr8:144,512,175, G>T on the plus strand (C>A on the coding strand, the complement: RECQL4 is on the minus strand). VCF-style: chr8-144512175-G-T. GRCh37 (hg19) VCF-style: chr8-145737558-G-T.
Other names: c.2911C>A, p.Arg971Ser (NM_001413017.1); c.3007C>A, p.Arg1003Ser (NM_001413018.1); c.3280C>A, p.Arg1094Ser (NM_001413019.1); c.3109C>A, p.Arg1037Ser (NM_001413020.1); c.2134C>A, p.Arg712Ser (NM_001413021.1, NM_001413022.1, NM_001413024.1 and 4 more transcripts); c.2209C>A, p.Arg737Ser (NM_001413023.1); c.3076C>A, p.Arg1026Ser (NM_001413025.1); c.2068C>A, p.Arg690Ser (NM_001413027.1, NM_001413030.1, NM_001413032.1); and 9 more; short protein forms R1003S, R1037S, R646S, R690S, R702S, R1026S, R580S, R712S.
Identifiers: ClinVar variation 2013413 (VCV002013413.4), dbSNP rs758648484, ClinGen allele CA372669856.

ClinVar aggregate classification (germline): Uncertain significance (1 of 4 stars; one submission).

Conditions:
Baller-Gerold syndrome (BGS). Also called: CRANIOSYNOSTOSIS WITH RADIAL DEFECTS. Identifiers: Orphanet 1225, MedGen C0265308, MONDO:0009039, OMIM 218600.

Submission:

Labcorp Genetics (formerly Invitae), Labcorp
Classification: Uncertain significance for Baller-Gerold syndrome. Last evaluated: 2022-08-17. Review status: criteria provided, single submitter. Criteria: Invitae Variant Classification Sherloc (09022015). Collection method: clinical testing. Allele origin: germline.
Comment: In summary, the available evidence is currently insufficient to determine the role of this variant in disease. Therefore, it has been classified as a Variant of Uncertain Significance. Experimental studies and prediction algorithms are not available or were not evaluated, and the functional significance of this variant is currently unknown. This variant has not been reported in the literature in individuals affected with RECQL4-related conditions. This variant is not present in population databases (gnomAD no frequency). This sequence change replaces arginine, which is basic and polar, with serine, which is neutral and polar, at codon 1069 of the RECQL4 protein (p.Arg1069Ser).